The following is an entry in ClinVar:

NM_006231.4(POLE):c.563C>T (p.Thr188Ile)

Gene: POLE (DNA polymerase epsilon, catalytic subunit; minus strand). Cytogenetic location: 12q24.33.
Variant type: single nucleotide variant.
Coding change: c.563C>T on transcript NM_006231.4 (MANE Select); coding-DNA position 563, C replaced by T.
Protein change: p.Thr188Ile; replaces threonine 188 with isoleucine.
Molecular consequence: missense variant.
Genome position (GRCh38, 1-based): chr12:132,679,512, G>A on the plus strand (C>T on the coding strand, the complement: POLE is on the minus strand). VCF-style: chr12-132679512-G-A. GRCh37 (hg19) VCF-style: chr12-133256098-G-A.
Other names: short protein forms T188I.
Identifiers: ClinVar variation 569351 (VCV000569351.8), dbSNP rs1565979672, ClinGen allele CA387366678.

ClinVar aggregate classification (germline): Uncertain significance (1 of 4 stars; one submission).

Submission:

Labcorp Genetics (formerly Invitae), Labcorp
Classification: Uncertain significance. Last evaluated: 2018-04-20. Review status: criteria provided, single submitter. Criteria: Invitae Variant Classification Sherloc (09022015). Collection method: clinical testing. Allele origin: germline.
Comment: This sequence change replaces threonine with isoleucine at codon 188 of the POLE protein (p.Thr188Ile). The threonine residue is moderately conserved and there is a moderate physicochemical difference between threonine and isoleucine. This variant is not present in population databases (ExAC no frequency). This variant has not been reported in the literature in individuals with POLE-related disease. Algorithms developed to predict the effect of missense changes on protein structure and function do not agree on the potential impact of this missense change (SIFT: "Tolerated"; PolyPhen-2: "Possibly Damaging"; Align-GVGD: "Class C0"). In summary, the available evidence is currently insufficient to determine the role of this variant in disease. Therefore, it has been classified as a Variant of Uncertain Significance.